The following is an entry in ClinVar:

ClinVar aggregate classification (germline): Uncertain significance (0 of 4 stars; one submission).

gnomAD v4.1: 1 of 1,613,728 alleles (0.000062%); no homozygotes.

Submission:

Leiden Open Variation Database
Classification: Uncertain significance. Last evaluated: 2018-10-10. Review status: no assertion criteria provided. Collection method: curation. Allele origin: germline. Affected: yes.
Comment: Curators: Marc Tischkowitz, Arleen D. Auerbach. Submitter to LOVD: Yukihide Momozawa.

Literature cited by the submitters: PubMed 30287823.

NM_024675.4(PALB2):c.285G>A (p.Lys95=)

Gene: PALB2 (partner and localizer of BRCA2; minus strand). Cytogenetic location: 16p12.2.
Variant type: single nucleotide variant.
Coding change: c.285G>A on transcript NM_024675.4 (MANE Select); coding-DNA position 285, G replaced by A.
Protein change: p.Lys95=; no amino-acid change (lysine 95 retained).
Molecular consequence: synonymous variant.
Genome position (GRCh38, 1-based): chr16:23,636,261, C>T on the plus strand (G>A on the coding strand, the complement: PALB2 is on the minus strand). VCF-style: chr16-23636261-C-T. GRCh37 (hg19) VCF-style: chr16-23647582-C-T.
Identifiers: ClinVar variation 830098 (VCV000830098.1), dbSNP rs1043578258, ClinGen allele CA494165711.